The following is an entry in ClinVar:

NM_005257.6(GATA6):c.804C>G (p.Ser268Arg)

Gene: GATA6 (GATA binding protein 6; plus strand). Cytogenetic location: 18q11.2.
Variant type: single nucleotide variant.
Coding change: c.804C>G on transcript NM_005257.6 (MANE Select); coding-DNA position 804, C replaced by G.
Protein change: p.Ser268Arg; replaces serine 268 with arginine.
Molecular consequence: missense variant.
Genome position (GRCh38, 1-based): chr18:22,171,948, C>G. VCF-style: chr18-22171948-C-G. GRCh37 (hg19) VCF-style: chr18-19751909-C-G.
Other names: short protein forms S268R.
Identifiers: ClinVar variation 4736984 (VCV004736984.1).

ClinVar aggregate classification (germline): Uncertain significance (1 of 4 stars; one submission).

Conditions:
Atrioventricular septal defect 5 (AVSD5). Identifiers: MedGen C3280939, MONDO:0013769, OMIM 614474.

Submission:

Labcorp Genetics (formerly Invitae), Labcorp
Classification: Uncertain significance for Atrioventricular septal defect 5. Last evaluated: 2025-05-19. Review status: criteria provided, single submitter. Criteria: Invitae Variant Classification Sherloc (09022015). Collection method: clinical testing. Allele origin: germline.
Comment: This sequence change replaces serine, which is neutral and polar, with arginine, which is basic and polar, at codon 268 of the GATA6 protein (p.Ser268Arg). This variant is not present in population databases (gnomAD no frequency). This variant has not been reported in the literature in individuals affected with GATA6-related conditions. Invitae Evidence Modeling of protein sequence and biophysical properties (such as structural, functional, and spatial information, amino acid conservation, physicochemical variation, residue mobility, and thermodynamic stability) has been performed for this missense variant. However, the output from this modeling did not meet the statistical confidence thresholds required to predict the impact of this variant on GATA6 protein function. In summary, the available evidence is currently insufficient to determine the role of this variant in disease. Therefore, it has been classified as a Variant of Uncertain Significance.